The following is an entry in ClinVar:

NM_000179.3(MSH6):c.3893dup (p.Tyr1298Ter)

Gene: MSH6 (mutS homolog 6; plus strand). Cytogenetic location: 2p16.3.
Variant type: Duplication.
Coding change: c.3893dup on transcript NM_000179.3 (MANE Select); coding-DNA position 3893, one base duplicated (A; older notation c.3893dupA).
Protein change: p.Tyr1298Ter; replaces tyrosine 1298 with a stop codon.
Molecular consequence: nonsense.
Genome position (GRCh38, 1-based): chr2:47,806,543, A duplicated. VCF-style (leftmost placement, unchanged base first): chr2-47806542-T-TA. GRCh37 (hg19) VCF-style: chr2-48033681-T-TA.
Other names: c.3893dupA (NM_000179.2); c.3503dup, p.Tyr1168Ter (NM_001281492.2); c.2987dup, p.Tyr996Ter (NM_001281493.2, NM_001281494.2); short protein forms Y1168*, Y1298*, Y996*.
Identifiers: ClinVar variation 455300 (VCV000455300.12), dbSNP rs1553333530, ClinGen allele CA658655761.

ClinVar aggregate classification (germline): Pathogenic. Review status: criteria provided, multiple submitters, no conflicts (2 of 4 stars). 2 submissions from 2 submitters: Pathogenic (2). Last evaluated 2025-03-30.

Conditions:
Hereditary nonpolyposis colorectal neoplasms. Identifiers: MedGen C0009405, MeSH D003123.
Hereditary cancer-predisposing syndrome. Also called: Hereditary Cancer Syndrome; Hereditary neoplastic syndrome; Neoplastic Syndromes, Hereditary; Tumor predisposition. Identifiers: Orphanet 140162, MedGen C0027672, MeSH D009386, MONDO:0015356.

Submissions (2):

Labcorp Genetics (formerly Invitae), Labcorp
Classification: Pathogenic for Hereditary nonpolyposis colorectal neoplasms. Last evaluated: 2025-03-30. Review status: criteria provided, single submitter. Criteria: Invitae Variant Classification Sherloc (09022015). Collection method: clinical testing. Allele origin: germline.
Comment: This sequence change creates a premature translational stop signal (p.Tyr1298*) in the MSH6 gene. It is expected to result in an absent or disrupted protein product. Loss-of-function variants in MSH6 are known to be pathogenic (PMID: 18269114, 24362816). This variant is not present in population databases (gnomAD no frequency). This variant has not been reported in the literature in individuals affected with MSH6-related conditions. ClinVar contains an entry for this variant (Variation ID: 455300). Algorithms developed to predict the effect of sequence changes on RNA splicing suggest that this variant may disrupt the consensus splice site. For these reasons, this variant has been classified as Pathogenic.

Ambry Genetics
Classification: Pathogenic for Hereditary cancer-predisposing syndrome. Last evaluated: 2024-08-30. Review status: criteria provided, single submitter. Criteria: Ambry Variant Classification Scheme 2023. Collection method: clinical testing. Allele origin: germline.
Comment: The c.3893dupA pathogenic mutation, located in coding exon 9 of the MSH6 gene, results from a duplication of A at nucleotide position 3893. This changes the amino acid from a tyrosine to an immediate stop codon (p.Y1298*). This variant is considered to be rare based on population cohorts in the Genome Aggregation Database (gnomAD). This alteration is expected to result in loss of function by premature protein truncation or nonsense-mediated mRNA decay. As such, this alteration is interpreted as a disease-causing mutation.

Literature cited by the submitters: PubMed 18269114 (cited by Labcorp Genetics (formerly Invitae), Labcorp); PubMed 24362816 (cited by Labcorp Genetics (formerly Invitae), Labcorp).